The following is an entry in ClinVar:

ClinVar aggregate classification (germline): Likely benign. Review status: criteria provided, multiple submitters, no conflicts (2 of 4 stars). 2 submissions from 2 submitters: Likely benign (2). Last evaluated 2025-08-16.

Allele frequency attached by ClinVar (database versions not stated): 1000 Genomes Project 0.00160; gnomAD 0.00004 and 0.00011; TOPMed 0.00005; gnomAD exomes 0.00007 and 0.00008; ESP Exome Variant Server 0.00008; ExAC 0.00009; 1000 Genomes Project 30x 0.00125.
gnomAD v4.1: 126 of 1,614,034 alleles (0.0078%); highest among the groups gnomAD compares: South Asian, 0.096%; 1 homozygote.

Submissions (2):

Labcorp Genetics (formerly Invitae), Labcorp
Classification: Likely benign. Last evaluated: 2025-08-16. Review status: criteria provided, single submitter. Criteria: Invitae Variant Classification Sherloc (09022015). Collection method: clinical testing. Allele origin: germline.

CeGaT Center for Human Genetics Tuebingen
Classification: Likely benign. Last evaluated: 2024-02-01. Review status: criteria provided, single submitter. Criteria: CeGaT Center For Human Genetics Tuebingen Variant Classification Criteria Version 2. Collection method: clinical testing. Allele origin: germline. Affected: yes. Observed: 1 variant allele.
Comment: ADCY5: BP4, BP7

NM_183357.3(ADCY5):c.1347C>T (p.Asn449=)

Gene: ADCY5 (adenylate cyclase 5; minus strand). Cytogenetic location: 3q21.1.
Variant type: single nucleotide variant.
Coding change: c.1347C>T on transcript NM_183357.3 (MANE Select); coding-DNA position 1347, C replaced by T.
Protein change: p.Asn449=; no amino-acid change (asparagine 449 retained).
Molecular consequence: synonymous variant.
Genome position (GRCh38, 1-based): chr3:123,347,841, G>A on the plus strand (C>T on the coding strand, the complement: ADCY5 is on the minus strand). VCF-style: chr3-123347841-G-A. GRCh37 (hg19) VCF-style: chr3-123066688-G-A.
Other names: c.297C>T, p.Asn99= (NM_001199642.1); c.1347C>T, p.Asn449= (NM_001378259.1).
Identifiers: ClinVar variation 705663 (VCV000705663.32), dbSNP rs150782259, ClinGen allele CA2577483.